The following is an entry in ClinVar:

ClinVar aggregate classification (germline): Uncertain significance. Review status: criteria provided, multiple submitters, no conflicts (2 of 4 stars). 2 submissions from 2 submitters: Uncertain significance (2). Last evaluated 2026-01-12.

Allele frequency attached by ClinVar (database versions not stated): gnomAD 0.00010; ExAC 0.00014; TOPMed 0.00014; 1000 Genomes Project 30x 0.00031; 1000 Genomes Project 0.00040.

Submissions (2):

Labcorp Genetics (formerly Invitae), Labcorp
Classification: Uncertain significance. Last evaluated: 2026-01-12. Review status: criteria provided, single submitter. Criteria: Invitae Variant Classification Sherloc (09022015). Collection method: clinical testing. Allele origin: germline.
Comment: This sequence change replaces proline, which is neutral and non-polar, with leucine, which is neutral and non-polar, at codon 814 of the TRIM28 protein (p.Pro814Leu). This variant is present in population databases (rs538666667, gnomAD 0.07%), and has an allele count higher than expected for a pathogenic variant. This variant has not been reported in the literature in individuals affected with TRIM28-related conditions. ClinVar contains an entry for this variant (Variation ID: 2396290). Experimental studies and prediction algorithms are not available or were not evaluated, and the functional significance of this variant is currently unknown. In summary, the available evidence is currently insufficient to determine the role of this variant in disease. Therefore, it has been classified as a Variant of Uncertain Significance.

Ambry Genetics
Classification: Uncertain significance. Last evaluated: 2021-06-11. Review status: criteria provided, single submitter. Criteria: Ambry Variant Classification Scheme 2023. Collection method: clinical testing. Allele origin: germline.

NM_005762.3(TRIM28):c.2441C>T (p.Pro814Leu)

Gene: TRIM28 (tripartite motif containing 28; plus strand). Cytogenetic location: 19q13.43.
Variant type: single nucleotide variant.
Coding change: c.2441C>T on transcript NM_005762.3 (MANE Select); coding-DNA position 2441, C replaced by T.
Protein change: p.Pro814Leu; replaces proline 814 with leucine.
Molecular consequence: missense variant.
Genome position (GRCh38, 1-based): chr19:58,550,486, C>T. VCF-style: chr19-58550486-C-T. GRCh37 (hg19) VCF-style: chr19-59061853-C-T.
Other names: short protein forms P814L.
Identifiers: ClinVar variation 2396290 (VCV002396290.3), dbSNP rs538666667, ClinGen allele CA9719603.